The following is an entry in ClinVar:

NM_014053.4(FLVCR1):c.319C>A (p.Arg107Ser)

Gene: FLVCR1 (FLVCR choline and heme transporter 1; plus strand). Cytogenetic location: 1q32.3.
Variant type: single nucleotide variant.
Coding change: c.319C>A on transcript NM_014053.4 (MANE Select); coding-DNA position 319, C replaced by A.
Protein change: p.Arg107Ser; replaces arginine 107 with serine.
Molecular consequence: missense variant.
Genome position (GRCh38, 1-based): chr1:212,858,771, C>A. VCF-style: chr1-212858771-C-A. GRCh37 (hg19) VCF-style: chr1-213032113-C-A.
Other names: p.Arg107Ser; short protein forms R107S.
Identifiers: ClinVar variation 2149516 (VCV002149516.4), dbSNP rs773385018, ClinGen allele CA1385877.
Genomic context (GRCh38, chr1:212,858,771, plus strand): 5'-GGAGCTGAGACCCCGGGGGCCGAGAGCAGCCCGCTGCCCCTTACGGCGCTCTCCCCGCGG[C>A]GCTTCGTGGTGCTCCTGATCTTCAGCCTGTACTCGCTGGTCAACGCCTTTCAGTGGATCC-3'
Protein context (NP_054772.1, residues 97-117): PLPLTALSPR[Arg107Ser]FVVLLIFSLY

ClinVar aggregate classification (germline): Uncertain significance. Review status: criteria provided, multiple submitters, no conflicts (2 of 4 stars). 3 submissions from 3 submitters: Uncertain significance (3). Last evaluated 2025-11-18.

Allele frequency attached by ClinVar (database versions not stated): TOPMed 0.00001; ExAC 0.00003.
gnomAD v4.1: 27 of 1,613,940 alleles (0.0017%); highest among the groups gnomAD compares: Non-Finnish European, 0.0023%; no homozygotes.

Submissions (3):

Labcorp Genetics (formerly Invitae), Labcorp
Classification: Uncertain significance. Last evaluated: 2025-11-18. Review status: criteria provided, single submitter. Criteria: Invitae Variant Classification Sherloc (09022015). Collection method: clinical testing. Allele origin: germline.
Comment: This sequence change replaces arginine, which is basic and polar, with serine, which is neutral and polar, at codon 107 of the FLVCR1 protein (p.Arg107Ser). This variant is present in population databases (rs773385018, gnomAD 0.004%). This variant has not been reported in the literature in individuals affected with FLVCR1-related conditions. ClinVar contains an entry for this variant (Variation ID: 2149516). Invitae Evidence Modeling of protein sequence and biophysical properties (such as structural, functional, and spatial information, amino acid conservation, physicochemical variation, residue mobility, and thermodynamic stability) indicates that this missense variant is expected to disrupt FLVCR1 protein function with a positive predictive value of 80%. In summary, the available evidence is currently insufficient to determine the role of this variant in disease. Therefore, it has been classified as a Variant of Uncertain Significance.

Mayo Clinic Laboratories, Mayo Clinic
Classification: Uncertain significance. Last evaluated: 2025-04-15. Review status: criteria provided, single submitter. Criteria: ACMG Guidelines, 2015. Collection method: clinical testing. Allele origin: germline. Observed: 1 variant allele.

Blueprint Genetics
Classification: Uncertain significance. Last evaluated: 2023-08-01. Review status: criteria provided, single submitter. Criteria: ACMG Guidelines, 2015. Collection method: clinical testing. Allele origin: germline.